The following is an entry in ClinVar:

NM_001009944.3(PKD1):c.1423G>A (p.Gly475Arg)

Gene: PKD1 (polycystin 1, transient receptor potential channel interacting; minus strand). Cytogenetic location: 16p13.3.
Variant type: single nucleotide variant.
Coding change: c.1423G>A on transcript NM_001009944.3 (MANE Select); coding-DNA position 1423, G replaced by A.
Protein change: p.Gly475Arg; replaces glycine 475 with arginine.
Molecular consequence: missense variant.
Genome position (GRCh38, 1-based): chr16:2,117,016, C>T on the plus strand (G>A on the coding strand, the complement: PKD1 is on the minus strand). VCF-style: chr16-2117016-C-T. GRCh37 (hg19) VCF-style: chr16-2167017-C-T.
Other names: c.1423G>A, p.Gly475Arg (NM_000296.4); short protein forms G475R.
Identifiers: ClinVar variation 3906538 (VCV003906538.1).
Genomic context (GRCh38, chr16:2,117,016, plus strand): 5'-AGTTCTGGCAGCTCTCCAGGCTGAAGGCCTCGCCCTGCGGCGCTGGGCCCACCTCCACCC[C>T]CTGCACAGTCGAGAAGCCGATCCACACGTCTAGGCTCCTGGGGGCGGGTGTGGGATGGCA-3'
Protein context (NP_001009944.3, residues 465-485): DVWIGFSTVQ[Gly475Arg]VEVGPAPQGE

ClinVar aggregate classification (germline): Uncertain significance (1 of 4 stars; one submission).

Submission:

GeneDx
Classification: Uncertain significance. Last evaluated: 2024-12-17. Review status: criteria provided, single submitter. Criteria: GeneDx Variant Classification Process June 2021. Collection method: clinical testing. Allele origin: germline. Affected: yes.
Comment: Not observed at significant frequency in large population cohorts (gnomAD); In silico analysis indicates that this missense variant does not alter protein structure/function; Has not been previously published as pathogenic or benign to our knowledge